The following is an entry in ClinVar:

ClinVar aggregate classification (germline): Uncertain significance (1 of 4 stars; one submission).

Submission:

GeneDx
Classification: Uncertain significance. Last evaluated: 2024-12-16. Review status: criteria provided, single submitter. Criteria: GeneDx Variant Classification Process June 2021. Collection method: clinical testing. Allele origin: germline. Affected: yes.
Comment: Not observed at significant frequency in large population cohorts (gnomAD); In silico analysis supports a deleterious effect on splicing; Has not been previously published as pathogenic or benign to our knowledge

NM_001385012.1(NBEA):c.7450-10C>G

Gene: NBEA (neurobeachin; plus strand). Cytogenetic location: 13q13.3.
Variant type: single nucleotide variant.
Coding change: c.7450-10C>G on transcript NM_001385012.1 (MANE Select); 10 bases into the intron before coding-DNA position 7450, C replaced by G.
Molecular consequence: intron variant.
Genome position (GRCh38, 1-based): chr13:35,628,071, C>G. VCF-style: chr13-35628071-C-G. GRCh37 (hg19) VCF-style: chr13-36202208-C-G.
Other names: c.7450-10C>G (NM_015678.5); c.7441-10C>G (NM_001379245.1); c.829-10C>G (NM_001204197.3).
Identifiers: ClinVar variation 3906546 (VCV003906546.1).